The following is an entry in ClinVar:

NM_022124.6(CDH23):c.9739-12G>A

Gene: CDH23 (cadherin related 23; plus strand). Cytogenetic location: 10q22.1.
Variant type: single nucleotide variant.
Coding change: c.9739-12G>A on transcript NM_022124.6 (MANE Select); 12 bases into the intron before coding-DNA position 9739, G replaced by A.
Molecular consequence: intron variant.
Genome position (GRCh38, 1-based): chr10:71,814,940, G>A. VCF-style: chr10-71814940-G-A. GRCh37 (hg19) VCF-style: chr10-73574697-G-A.
Other names: c.3019-12G>A (NM_001171933.1); c.2914-12G>A (NM_001171934.1); c.430-12G>A (NM_001171935.1); c.325-12G>A (NM_001171936.1).
Identifiers: ClinVar variation 300475 (VCV000300475.20), dbSNP rs200638595, ClinGen allele CA5547169.

ClinVar aggregate classification (germline): Conflicting classifications of pathogenicity. Review status: criteria provided, conflicting classifications (1 of 4 stars). 5 submissions from 4 submitters: Uncertain significance (3); Likely benign (2). Last evaluated 2026-01-26.

Conditions:
Autosomal recessive nonsyndromic hearing loss 12. Also called: DEAFNESS, AUTOSOMAL RECESSIVE 12. Identifiers: Orphanet 90636, MedGen C1832394, MONDO:0011067, OMIM 601386.
Usher syndrome type 1D (USH1D). Also called: USHER SYNDROME, TYPE ID. Identifiers: Orphanet 231169, Orphanet 886, MedGen C1832845, MONDO:0010984, OMIM 601067.

Allele frequency attached by ClinVar (database versions not stated): TOPMed 0.00052.
gnomAD v4.1: 983 of 1,600,488 alleles (0.061%); highest among the groups gnomAD compares: Non-Finnish European, 0.077%; no homozygotes.

Submissions (5):

Labcorp Genetics (formerly Invitae), Labcorp
Classification: Likely benign. Last evaluated: 2026-01-26. Review status: criteria provided, single submitter. Criteria: Invitae Variant Classification Sherloc (09022015). Collection method: clinical testing. Allele origin: germline.

GeneDx
Classification: Uncertain significance. Last evaluated: 2025-08-20. Review status: criteria provided, single submitter. Criteria: GeneDx Variant Classification Process June 2021. Collection method: clinical testing. Allele origin: germline. Affected: yes.
Comment: In silico analysis supports a deleterious effect on splicing; This variant is associated with the following publications: (PMID: 36011402)

Blueprint Genetics
Classification: Likely benign. Last evaluated: 2024-11-26. Review status: criteria provided, single submitter. Criteria: ACMG Guidelines, 2015. Collection method: clinical testing. Allele origin: germline.

Illumina Laboratory Services, Illumina
Classification: Uncertain significance for Usher syndrome type 1D. Last evaluated: 2018-01-13. Review status: criteria provided, single submitter. Criteria: ICSL Variant Classification Criteria 13 December 2019. Collection method: clinical testing. Allele origin: germline.

Illumina Laboratory Services, Illumina
Classification: Uncertain significance for Autosomal recessive nonsyndromic hearing loss 12. Last evaluated: 2018-01-13. Review status: criteria provided, single submitter. Criteria: ICSL Variant Classification Criteria 13 December 2019. Collection method: clinical testing. Allele origin: germline.